The following is an entry in ClinVar:

ClinVar aggregate classification (germline): Benign/Likely benign. Review status: criteria provided, multiple submitters, no conflicts (2 of 4 stars). 4 submissions from 4 submitters: Benign (1); Likely benign (2). 1 of the submissions does not count toward it. Last evaluated 2025-12-06.

Conditions:
SALL4-Related Disorders. Also called: SALL4-related condition; SALL4-related disorder. Identifiers: MedGen CN381056.
Oculootoradial syndrome (IVIC). Also called: RADIAL RAY DEFECTS, HEARING IMPAIRMENT, EXTERNAL OPHTHALMOPLEGIA, AND THROMBOCYTOPENIA; IVIC syndrome. Identifiers: Orphanet 2307, MedGen C1327918, MONDO:0007836, OMIM 147750.
Duane-radial ray syndrome (DRRS). Also called: ACRORENOOCULAR SYNDROME; DR SYNDROME; DUANE ANOMALY WITH RADIAL RAY ABNORMALITIES AND DEAFNESS; Duane-Radial Ray Syndrome/Okihiro Syndrome; Duane-Radial Ray Syndrome (DRRS) / Okihiro Syndrome; Okihiro Syndrome. Identifiers: Orphanet 93293, Orphanet 959, MedGen C1623209, MONDO:0011812, OMIM 607323. Disease mechanism: gain of function.

Allele frequency attached by ClinVar (database versions not stated): gnomAD exomes 0.00008 and 0.00024; ExAC 0.00028; 1000 Genomes Project 0.00040; 1000 Genomes Project 30x 0.00047; gnomAD 0.00103 and 0.00110; TOPMed 0.00121; ESP Exome Variant Server 0.00131.
gnomAD v4.1: 280 of 1,614,130 alleles (0.017%); highest among the groups gnomAD compares: African/African-American, 0.34%; no homozygotes.

Submissions (4):

Labcorp Genetics (formerly Invitae), Labcorp
Classification: Benign for Duane-radial ray syndrome. Last evaluated: 2025-12-06. Review status: criteria provided, single submitter. Criteria: Invitae Variant Classification Sherloc (09022015). Collection method: clinical testing. Allele origin: germline.

Blueprint Genetics
Classification: Likely benign. Last evaluated: 2023-11-28. Review status: criteria provided, single submitter. Criteria: ACMG Guidelines, 2015. Collection method: clinical testing. Allele origin: germline.

Fulgent Genetics
Classification: Likely benign for Oculootoradial syndrome; Duane-radial ray syndrome. Last evaluated: 2021-09-01. Review status: criteria provided, single submitter. Criteria: ACMG Guidelines, 2015. Collection method: clinical testing. Allele origin: unknown.

PreventionGenetics, part of Exact Sciences
Classification: Likely benign for SALL4-related condition. Last evaluated: 2019-07-10. Review status: no assertion criteria provided. Collection method: clinical testing. Allele origin: germline. Not counted in ClinVar's aggregate classification.
Comment: This variant is classified as likely benign based on ACMG/AMP sequence variant interpretation guidelines (Richards et al. 2015 PMID: 25741868, with internal and published modifications).

NM_020436.5(SALL4):c.2166A>G (p.Leu722=)

Gene: SALL4 (spalt like transcription factor 4; minus strand). Cytogenetic location: 20q13.2.
Variant type: single nucleotide variant.
Coding change: c.2166A>G on transcript NM_020436.5 (MANE Select); coding-DNA position 2166, A replaced by G.
Protein change: p.Leu722=; no amino-acid change (leucine 722 retained).
Molecular consequence: synonymous variant. On other transcripts: intron variant (1).
Genome position (GRCh38, 1-based): chr20:51,790,317, T>C on the plus strand (A>G on the coding strand, the complement: SALL4 is on the minus strand). VCF-style: chr20-51790317-T-C. GRCh37 (hg19) VCF-style: chr20-50406856-T-C.
Other names: c.2166A>G (NM_020436.4); c.1150+1016A>G (NM_001318031.2).
Identifiers: ClinVar variation 730729 (VCV000730729.11), dbSNP rs141708963, ClinGen allele CA9912152.